The following is an entry in ClinVar:

ClinVar aggregate classification (germline): Uncertain significance (1 of 4 stars; one submission).

Conditions:
Hepatic veno-occlusive disease-immunodeficiency syndrome. Also called: Hepatic Veno-Occlusive Disease with Immunodeficiency. Identifiers: Orphanet 79124, MedGen C1856128, MONDO:0009338, OMIM 235550. Disease mechanism: loss of function.

Allele frequency attached by ClinVar (database versions not stated): gnomAD exomes below 0.00001; gnomAD 0.00001.
gnomAD v4.1: 3 of 1,592,934 alleles (0.00019%); highest among the groups gnomAD compares: Non-Finnish European, 0.00017%; no homozygotes.

Submission:

Labcorp Genetics (formerly Invitae), Labcorp
Classification: Uncertain significance for Hepatic veno-occlusive disease-immunodeficiency syndrome. Last evaluated: 2022-10-17. Review status: criteria provided, single submitter. Criteria: Invitae Variant Classification Sherloc (09022015). Collection method: clinical testing. Allele origin: germline.
Comment: In summary, the available evidence is currently insufficient to determine the role of this variant in disease. Therefore, it has been classified as a Variant of Uncertain Significance. Algorithms developed to predict the effect of missense changes on protein structure and function are either unavailable or do not agree on the potential impact of this missense change (SIFT: "Deleterious"; PolyPhen-2: "Benign"; Align-GVGD: "Class C0"). ClinVar contains an entry for this variant (Variation ID: 1045941). This variant has not been reported in the literature in individuals affected with SP110-related conditions. This variant is not present in population databases (gnomAD no frequency). This sequence change replaces lysine, which is basic and polar, with glutamic acid, which is acidic and polar, at codon 276 of the SP110 protein (p.Lys276Glu).

NM_080424.4(SP110):c.826A>G (p.Lys276Glu)

Genes: SP110 (SP110 nuclear body protein; minus strand), SP140 (SP140 nuclear body protein; plus strand). Cytogenetic location: 2q37.1.
Variant type: single nucleotide variant.
Coding change: c.826A>G on transcript NM_080424.4 (MANE Select); coding-DNA position 826, A replaced by G.
Protein change: p.Lys276Glu; replaces lysine 276 with glutamic acid.
Molecular consequence: missense variant.
Genome position (GRCh38, 1-based): chr2:230,209,934, T>C on the plus strand (A>G on the coding strand, the complement: SP110 is on the minus strand). VCF-style: chr2-230209934-T-C. GRCh37 (hg19) VCF-style: chr2-231074649-T-C.
Other names: c.844A>G, p.Lys282Glu (NM_001185015.2, NM_001378445.1, NM_001378446.1 and 2 more transcripts); c.826A>G, p.Lys276Glu (NM_001378447.1, NM_004509.5, NM_004510.4 and 1 more transcripts); short protein forms K282E, K276E.
Identifiers: ClinVar variation 1045941 (VCV001045941.10), dbSNP rs2044285386, ClinGen allele CA350914046.